The following is an entry in ClinVar:

NM_014000.3(VCL):c.2173G>A (p.Ala725Thr)

Gene: VCL (vinculin; plus strand). Cytogenetic location: 10q22.2.
Variant type: single nucleotide variant.
Coding change: c.2173G>A on transcript NM_014000.3 (MANE Select); coding-DNA position 2173, G replaced by A.
Protein change: p.Ala725Thr; replaces alanine 725 with threonine.
Molecular consequence: missense variant.
Genome position (GRCh38, 1-based): chr10:74,105,092, G>A. VCF-style: chr10-74105092-G-A. GRCh37 (hg19) VCF-style: chr10-75864850-G-A.
Other names: c.2173G>A, p.Ala725Thr (NM_003373.4); short protein forms A725T.
Identifiers: ClinVar variation 536705 (VCV000536705.7), dbSNP rs1554818884, ClinGen allele CA377261693.

ClinVar aggregate classification (germline): Uncertain significance (1 of 4 stars; one submission).

Conditions:
Dilated cardiomyopathy 1W (CMD1W). Identifiers: Orphanet 154, MedGen C1969639, MONDO:0012667, OMIM 611407.

Submission:

Labcorp Genetics (formerly Invitae), Labcorp
Classification: Uncertain significance for Dilated cardiomyopathy 1W. Last evaluated: 2024-05-26. Review status: criteria provided, single submitter. Criteria: Invitae Variant Classification Sherloc (09022015). Collection method: clinical testing. Allele origin: germline.
Comment: This sequence change replaces alanine, which is neutral and non-polar, with threonine, which is neutral and polar, at codon 725 of the VCL protein (p.Ala725Thr). This variant is not present in population databases (gnomAD no frequency). This variant has not been reported in the literature in individuals affected with VCL-related conditions. ClinVar contains an entry for this variant (Variation ID: 536705). An algorithm developed to predict the effect of missense changes on protein structure and function (PolyPhen-2) suggests that this variant is likely to be disruptive. In summary, the available evidence is currently insufficient to determine the role of this variant in disease. Therefore, it has been classified as a Variant of Uncertain Significance.